The following is an entry in ClinVar:

ClinVar aggregate classification (germline): Benign/Likely benign. Review status: criteria provided, multiple submitters, no conflicts (2 of 4 stars). 2 submissions from 2 submitters: Benign (1); Likely benign (1). Last evaluated 2025-01-10.

Conditions:
Familial cancer of breast. Also called: BREAST CANCER, FAMILIAL; hereditary breast carcinoma; Hereditary breast cancer. Identifiers: Orphanet 227535, MedGen C0346153, MONDO:0016419, OMIM 114480. Disease mechanism: loss of function.

Submissions (2):

Myriad Genetics, Inc.
Classification: Benign for Familial cancer of breast. Last evaluated: 2025-01-10. Review status: criteria provided, single submitter. Criteria: Myriad Autosomal Dominant, Autosomal Recessive and X-Linked Classification Criteria (2023). Collection method: clinical testing. Allele origin: unknown.
Comment: This variant is considered benign. This variant is a silent/synonymous amino acid change and it is not expected to impact splicing.

Labcorp Genetics (formerly Invitae), Labcorp
Classification: Likely benign for Familial cancer of breast. Last evaluated: 2020-09-03. Review status: criteria provided, single submitter. Criteria: Invitae Variant Classification Sherloc (09022015). Collection method: clinical testing. Allele origin: germline.

NM_024675.4(PALB2):c.318C>T (p.Ser106=)

Gene: PALB2 (partner and localizer of BRCA2; minus strand). Cytogenetic location: 16p12.2.
Variant type: single nucleotide variant.
Coding change: c.318C>T on transcript NM_024675.4 (MANE Select); coding-DNA position 318, C replaced by T.
Protein change: p.Ser106=; no amino-acid change (serine 106 retained).
Molecular consequence: synonymous variant.
Genome position (GRCh38, 1-based): chr16:23,636,228, G>A on the plus strand (C>T on the coding strand, the complement: PALB2 is on the minus strand). VCF-style: chr16-23636228-G-A. GRCh37 (hg19) VCF-style: chr16-23647549-G-A.
Identifiers: ClinVar variation 1125475 (VCV001125475.11), dbSNP rs2142446163, ClinGen allele CA494165530.